The following is an entry in ClinVar:

NM_004055.5(CAPN5):c.1184A>G (p.Lys395Arg)

Gene: CAPN5 (calpain 5; plus strand). Cytogenetic location: 11q13.5.
Variant type: single nucleotide variant.
Coding change: c.1184A>G on transcript NM_004055.5 (MANE Select); coding-DNA position 1184, A replaced by G.
Protein change: p.Lys395Arg; replaces lysine 395 with arginine.
Molecular consequence: missense variant.
Genome position (GRCh38, 1-based): chr11:77,119,046, A>G. VCF-style: chr11-77119046-A-G. GRCh37 (hg19) VCF-style: chr11-76830092-A-G.
Other names: c.1184A>G (NM_004055.4); short protein forms K395R.
Identifiers: ClinVar variation 1913242 (VCV001913242.7), dbSNP rs782493999, ClinGen allele CA6196722.

ClinVar aggregate classification (germline): Conflicting classifications of pathogenicity. Review status: criteria provided, conflicting classifications (1 of 4 stars). 3 submissions from 3 submitters: Uncertain significance (2); Likely benign (1). Last evaluated 2025-04-16.

Conditions:
Inborn genetic diseases. Identifiers: MedGen C0950123, MeSH D030342.

Allele frequency attached by ClinVar (database versions not stated): TOPMed 0.00002; gnomAD exomes 0.00003; ExAC 0.00006.
gnomAD v4.1: 48 of 1,613,758 alleles (0.003%); highest among the groups gnomAD compares: South Asian, 0.043%; no homozygotes.

Submissions (3):

Labcorp Genetics (formerly Invitae), Labcorp
Classification: Uncertain significance. Last evaluated: 2025-04-16. Review status: criteria provided, single submitter. Criteria: Invitae Variant Classification Sherloc (09022015). Collection method: clinical testing. Allele origin: germline.
Comment: This sequence change replaces lysine, which is basic and polar, with arginine, which is basic and polar, at codon 395 of the CAPN5 protein (p.Lys395Arg). This variant is present in population databases (rs782493999, gnomAD 0.04%), and has an allele count higher than expected for a pathogenic variant. This variant has not been reported in the literature in individuals affected with CAPN5-related conditions. ClinVar contains an entry for this variant (Variation ID: 1913242). Invitae Evidence Modeling of protein sequence and biophysical properties (such as structural, functional, and spatial information, amino acid conservation, physicochemical variation, residue mobility, and thermodynamic stability) indicates that this missense variant is not expected to disrupt CAPN5 protein function with a negative predictive value of 80%. In summary, the available evidence is currently insufficient to determine the role of this variant in disease. Therefore, it has been classified as a Variant of Uncertain Significance.

Blueprint Genetics
Classification: Likely benign. Last evaluated: 2024-11-13. Review status: criteria provided, single submitter. Criteria: ACMG Guidelines, 2015. Collection method: clinical testing. Allele origin: germline.

Ambry Genetics
Classification: Uncertain significance for Inborn genetic diseases. Last evaluated: 2024-08-28. Review status: criteria provided, single submitter. Criteria: Ambry Variant Classification Scheme 2023. Collection method: clinical testing. Allele origin: germline.